The following is an entry in ClinVar:

ClinVar aggregate classification (germline): Uncertain significance (1 of 4 stars; one submission).

Conditions:
Oligodontia-cancer predisposition syndrome. Also called: TOOTH AGENESIS-COLORECTAL CANCER SYNDROME. Identifiers: Orphanet 300576, MedGen C1837750, MONDO:0012075, OMIM 608615. Disease mechanism: loss of function.

Submission:

Labcorp Genetics (formerly Invitae), Labcorp
Classification: Uncertain significance for Oligodontia-cancer predisposition syndrome. Last evaluated: 2023-11-24. Review status: criteria provided, single submitter. Criteria: Invitae Variant Classification Sherloc (09022015). Collection method: clinical testing. Allele origin: germline.
Comment: This sequence change replaces glutamic acid, which is acidic and polar, with aspartic acid, which is acidic and polar, at codon 811 of the AXIN2 protein (p.Glu811Asp). This variant is not present in population databases (gnomAD no frequency). This variant has not been reported in the literature in individuals affected with AXIN2-related conditions. Advanced modeling of protein sequence and biophysical properties (such as structural, functional, and spatial information, amino acid conservation, physicochemical variation, residue mobility, and thermodynamic stability) performed at Invitae indicates that this missense variant is not expected to disrupt AXIN2 protein function with a negative predictive value of 80%. In summary, the available evidence is currently insufficient to determine the role of this variant in disease. Therefore, it has been classified as a Variant of Uncertain Significance.

NM_004655.4(AXIN2):c.2433G>C (p.Glu811Asp)

Gene: AXIN2 (axin 2; minus strand). Cytogenetic location: 17q24.1.
Variant type: single nucleotide variant.
Coding change: c.2433G>C on transcript NM_004655.4 (MANE Select); coding-DNA position 2433, G replaced by C.
Protein change: p.Glu811Asp; replaces glutamic acid 811 with aspartic acid.
Molecular consequence: missense variant.
Genome position (GRCh38, 1-based): chr17:65,530,075, C>G on the plus strand (G>C on the coding strand, the complement: AXIN2 is on the minus strand). VCF-style: chr17-65530075-C-G. GRCh37 (hg19) VCF-style: chr17-63526193-C-G.
Other names: c.2238G>C, p.Glu746Asp (NM_001363813.1); short protein forms E746D, E811D.
Identifiers: ClinVar variation 2913000 (VCV002913000.3), dbSNP rs147134295, ClinGen allele CA400674925.